The following is an entry in ClinVar:

NM_001374828.1(ARID1B):c.1641_1651del (p.Gln550fs)

Gene: ARID1B (AT-rich interaction domain 1B; plus strand). Cytogenetic location: 6q25.3.
Variant type: Deletion.
Coding change: c.1641_1651del on transcript NM_001374828.1 (MANE Select); coding-DNA positions 1641 to 1651, 11 bases deleted (GGGCGGCCAGC).
Protein change: p.Gln550fs; shifts the reading frame from glutamine 550.
Molecular consequence: frameshift variant.
Genome position (GRCh38, 1-based): chr6:156,779,321-156,779,331, GGGCGGCCAGC deleted; deleting any 11 consecutive bases within chr6:156,779,319-156,779,331 gives the same sequence; the c. name uses the placement nearest the transcript's 3' end. VCF-style (leftmost placement, unchanged base first): chr6-156779318-GGCGGGCGGCCA-G. GRCh37 (hg19) VCF-style: chr6-157100452-GGCGGGCGGCCA-G.
Other names: c.1392_1402delGGGCGGCCAGC (NM_020732.3); c.1392_1402del, p.Gln467fs (NM_020732.3); c.1641_1651del, p.Gln550fs (NM_001371656.1, NM_001374820.1, NM_017519.3); short protein forms Q467fs, Q550fs.
Identifiers: ClinVar variation 429976 (VCV000429976.12), dbSNP rs1131691706, ClinGen allele CA645369397.
Genomic context (GRCh38, chr6:156,779,318, plus strand): 5'-CAGCGCGCCGCCGCCGCCGCCGTCGCAGCCCCAGTCCCAGGCGGCGGCGGCGGGGGCGGC[GGCGGGCGGCCA>G]GCAGGCGGCCGCGGGCATGGGCTTGGGCAAGGACATGGGCGCCCAGTACGCCGCTGCCAG-3'

ClinVar aggregate classification (germline): Pathogenic. Review status: criteria provided, multiple submitters, no conflicts (2 of 4 stars). 5 submissions from 5 submitters: Pathogenic (5). Last evaluated 2025-02-26.

Conditions:
Inborn genetic diseases. Identifiers: MedGen C0950123, MeSH D030342.
Coffin-Siris syndrome 1 (CSS1). Also called: Mental retardation, autosomal dominant 12; ARID1B-Related Coffin-Siris Syndrome. Identifiers: Orphanet 1465, MedGen C3281201, MONDO:0007617, OMIM 135900. Disease mechanism: gain of function.

Submissions (5):

3billion
Classification: Pathogenic for Coffin-Siris syndrome 1. Last evaluated: 2025-02-26. Review status: criteria provided, single submitter. Criteria: ACMG Guidelines, 2015. Collection method: clinical testing. Allele origin: germline. Affected: yes.
Comment: The variant is not observed in the gnomAD v4.1.0 dataset. Predicted Consequence/Location: Frameshift: predicted to result in a loss or disruption of normal protein function through nonsense-mediated decay (NMD) or protein truncation. Multiple pathogenic variants are reported downstream of the variant. The variant has been reported at least twice as pathogenic with clinical assertions and evidence for the classification (ClinVar ID: VCV000429976 /PMID: 23815551 /3billion dataset). Therefore, this variant is classified as Pathogenic according to the recommendation of ACMG/AMP guideline.

GeneDx
Classification: Pathogenic. Last evaluated: 2021-11-08. Review status: criteria provided, single submitter. Criteria: GeneDx Variant Classification Process June 2021. Collection method: clinical testing. Allele origin: germline. Affected: yes.
Comment: Frameshift variant predicted to result in protein truncation or nonsense mediated decay in a gene for which loss-of-function is a known mechanism of disease; Not observed at significant frequency in large population cohorts (gnomAD); This variant is associated with the following publications: (PMID: 30349098, 23815551)

Genome-Nilou Lab
Classification: Pathogenic for Coffin-Siris syndrome 1. Last evaluated: 2021-07-15. Review status: criteria provided, single submitter. Criteria: ACMG Guidelines, 2015. Collection method: clinical testing. Allele origin: germline. Affected: no.

Laboratoire de Génétique Moléculaire, CHU Bordeaux
Classification: Pathogenic for Coffin-Siris syndrome 1. Last evaluated: 2021-03-12. Review status: criteria provided, single submitter. Criteria: ACMG Guidelines, 2015. Collection method: clinical testing. Allele origin: germline. Affected: yes.

Ambry Genetics
Classification: Pathogenic for Inborn genetic diseases. Last evaluated: 2016-02-16. Review status: criteria provided, single submitter. Criteria: Ambry exome assertion method (8-5-2015). Collection method: clinical testing. Allele origin: germline. Affected: yes. Observed: 1 variant allele.

Literature cited by the submitters: PubMed 23815551 (cited by 3billion).